The following is an entry in ClinVar:

ClinVar aggregate classification (germline): Uncertain significance (1 of 4 stars; one submission).

Conditions:
Beckwith-Wiedemann syndrome (BWS). Also called: Exomphalos macroglossia gigantism syndrome; EMG SYNDROME. Identifiers: Orphanet 116, MedGen C0004903, MONDO:0007534, OMIM 130650.

Submission:

Labcorp Genetics (formerly Invitae), Labcorp
Classification: Uncertain significance for Beckwith-Wiedemann syndrome. Last evaluated: 2025-12-15. Review status: criteria provided, single submitter. Criteria: Invitae Variant Classification Sherloc (09022015). Collection method: clinical testing. Allele origin: germline.
Comment: This sequence change is expected to alter the c-terminus of the CDKN1C protein (p.Pro302Serfs*69). While this is not anticipated to result in nonsense mediated decay, it is expected to disrupt the last 15 amino acid(s) of the CDKN1C protein and extend the protein by 53 additional amino acid residues. This variant is not present in population databases (gnomAD no frequency). This variant has not been reported in the literature in individuals affected with CDKN1C-related conditions. Experimental studies and prediction algorithms are not available or were not evaluated, and the functional significance of this variant is currently unknown. In summary, the available evidence is currently insufficient to determine the role of this variant in disease. Therefore, it has been classified as a Variant of Uncertain Significance.

NM_001122630.2(CDKN1C):c.851_869dup (p.Pro291fs)

Gene: CDKN1C (cyclin dependent kinase inhibitor 1C; minus strand). Cytogenetic location: 11p15.4.
Variant type: Duplication.
Coding change: c.851_869dup on transcript NM_001122630.2 (MANE Select); coding-DNA positions 851 to 869, 19 bases duplicated (GTCCCTCTCCAAGCGCCGC).
Protein change: p.Pro291fs; shifts the reading frame from proline 291.
Molecular consequence: frameshift variant.
Genome position (GRCh38, 1-based): chr11:2,884,053-2,884,071, GCGGCGCTTGGAGAGGGAC duplicated on the plus strand (GTCCCTCTCCAAGCGCCGC on the coding strand, the reverse complement: CDKN1C is on the minus strand). VCF-style (leftmost placement, unchanged base first): chr11-2884052-G-GGCGGCGCTTGGAGAGGGAC. GRCh37 (hg19) VCF-style: chr11-2905282-G-GGCGGCGCTTGGAGAGGGAC.
Other names: c.884_902dup, p.Pro302fs (NM_000076.2, NM_001362474.2); c.851_869dup, p.Pro291fs (NM_001122631.2); c.319_337dup, p.Pro113fs (NM_001362475.2); short protein forms P113fs, P291fs, P302fs.
Identifiers: ClinVar variation 4733268 (VCV004733268.1).
Genomic context (GRCh38, chr11:2,884,052, plus strand): 5'-TACTCACTTGGCTCACCGCAGCCTCTTGCGCGGGGTCTGCTCCACCGAGCCCACGCCAGG[G>GGCGGCGCTTGGAGAGGGAC]GCGGCGCTTGGAGAGGGACACGGCGCGGGGACATCGCCCGACGACTTCTCAGGCGCTGAT-3'